The following is an entry in ClinVar:

NM_000836.4(GRIN2D):c.3976T>A (p.Ser1326Thr)

Gene: GRIN2D (glutamate ionotropic receptor NMDA type subunit 2D; plus strand). Cytogenetic location: 19q13.33.
Variant type: single nucleotide variant.
Coding change: c.3976T>A on transcript NM_000836.4 (MANE Select); coding-DNA position 3976, T replaced by A.
Protein change: p.Ser1326Thr; replaces serine 1326 with threonine.
Molecular consequence: missense variant.
Genome position (GRCh38, 1-based): chr19:48,443,902, T>A. VCF-style: chr19-48443902-T-A. GRCh37 (hg19) VCF-style: chr19-48947159-T-A.
Other names: short protein forms S1326T.
Identifiers: ClinVar variation 1490889 (VCV001490889.8), dbSNP rs1226282475, ClinGen allele CA406679281.
Genomic context (GRCh38, chr19:48,443,902, plus strand): 5'-CCGCTGCCCACAGCTTCCCACCGGAGACACCGGGGCGGGGACCTGGGCACCCGCAGGGGC[T>A]CGGCGCACTTCTCTAGCCTCGAGTCCGAGGTATGACGCGGCCCCGGGGGCCCCACCGCCC-3'
Protein context (NP_000827.2, residues 1316-1336): RGGDLGTRRG[Ser1326Thr]AHFSSLESEV

ClinVar aggregate classification (germline): Uncertain significance (1 of 4 stars; one submission).

Allele frequency attached by ClinVar (database versions not stated): gnomAD exomes below 0.00001; TOPMed below 0.00001; gnomAD 0.00001.
gnomAD v4.1: 2 of 1,456,444 alleles (0.00014%); highest among the groups gnomAD compares: Non-Finnish European, 0.00018%; no homozygotes.

Submission:

Labcorp Genetics (formerly Invitae), Labcorp
Classification: Uncertain significance. Last evaluated: 2025-04-22. Review status: criteria provided, single submitter. Criteria: Invitae Variant Classification Sherloc (09022015). Collection method: clinical testing. Allele origin: germline.
Comment: This sequence change replaces serine, which is neutral and polar, with threonine, which is neutral and polar, at codon 1326 of the GRIN2D protein (p.Ser1326Thr). This variant is not present in population databases (gnomAD no frequency). This missense change has been observed in individual(s) with clinical features of developmental and epileptic encephalopathy (internal data). ClinVar contains an entry for this variant (Variation ID: 1490889). Invitae Evidence Modeling of protein sequence and biophysical properties (such as structural, functional, and spatial information, amino acid conservation, physicochemical variation, residue mobility, and thermodynamic stability) indicates that this missense variant is not expected to disrupt GRIN2D protein function with a negative predictive value of 95%. In summary, the available evidence is currently insufficient to determine the role of this variant in disease. Therefore, it has been classified as a Variant of Uncertain Significance.